The following is an entry in ClinVar:

ClinVar aggregate classification (germline): Pathogenic. Review status: criteria provided, multiple submitters, no conflicts (2 of 4 stars). 2 submissions from 2 submitters: Pathogenic (2). Last evaluated 2024-04-15.

Conditions:
Hereditary cancer-predisposing syndrome. Also called: Neoplastic Syndromes, Hereditary; Hereditary Cancer Syndrome; Tumor predisposition; Hereditary neoplastic syndrome. Identifiers: Orphanet 140162, MedGen C0027672, MeSH D009386, MONDO:0015356.

Submissions (2):

Labcorp Genetics (formerly Invitae), Labcorp
Classification: Pathogenic. Last evaluated: 2024-04-15. Review status: criteria provided, single submitter. Criteria: Invitae Variant Classification Sherloc (09022015). Collection method: clinical testing. Allele origin: germline.
Comment: This sequence change creates a premature translational stop signal (p.Arg157Glyfs*12) in the NTHL1 gene. It is expected to result in an absent or disrupted protein product. Loss-of-function variants in NTHL1 are known to be pathogenic (PMID: 25938944, 26559593). This variant is not present in population databases (gnomAD no frequency). This variant has not been reported in the literature in individuals affected with NTHL1-related conditions. For these reasons, this variant has been classified as Pathogenic.

Ambry Genetics
Classification: Pathogenic for Hereditary cancer-predisposing syndrome. Last evaluated: 2022-11-03. Review status: criteria provided, single submitter. Criteria: Ambry Variant Classification Scheme 2023. Collection method: clinical testing. Allele origin: germline.
Comment: The c.469_470delCG variant, located in coding exon 3 of the NTHL1 gene, results from a deletion of two nucleotides at nucleotide positions 469 to 470, causing a translational frameshift with a predicted alternate stop codon (p.R157Gfs*12). This alteration is expected to result in loss of function by premature protein truncation or nonsense-mediated mRNA decay. As such, this alteration is interpreted as a disease-causing mutation.

Literature cited by the submitters: PubMed 25938944 (cited by Labcorp Genetics (formerly Invitae), Labcorp); PubMed 26559593 (cited by Labcorp Genetics (formerly Invitae), Labcorp).

NM_002528.7(NTHL1):c.445_446del (p.Arg149fs)

Gene: NTHL1 (nth like DNA glycosylase 1; minus strand). Cytogenetic location: 16p13.3.
Variant type: Microsatellite.
Coding change: c.445_446del on transcript NM_002528.7 (MANE Select); coding-DNA positions 445 to 446, 2 bases deleted (CG; older notation c.445_446delCG).
Protein change: p.Arg149fs; shifts the reading frame from arginine 149.
Molecular consequence: frameshift variant. On other transcripts: intron variant (1).
Genome position (GRCh38, 1-based): chr16:2,044,709-2,044,710, CG deleted on the plus strand (CG on the coding strand, the reverse complement: NTHL1 is on the minus strand); deleting any 2 consecutive bases within chr16:2,044,709-2,044,713 gives the same sequence; the c. name uses the placement nearest the transcript's 3' end. VCF-style (leftmost placement, unchanged base first): chr16-2044708-CCG-C. GRCh37 (hg19) VCF-style: chr16-2094709-CCG-C.
Other names: c.115_116del, p.Arg39fs (NM_001318194.2); c.355-984_355-983del (NM_001318193.2); short protein forms R39fs, R149fs.
Identifiers: ClinVar variation 2446940 (VCV002446940.4), dbSNP rs2548316266, ClinGen allele CA2580613386.